The following is an entry in ClinVar:

ClinVar aggregate classification (germline): Uncertain significance (1 of 4 stars; one submission).

Conditions:
Inborn genetic diseases. Identifiers: MedGen C0950123, MeSH D030342.

Submission:

Ambry Genetics
Classification: Uncertain significance for Inborn genetic diseases. Last evaluated: 2026-09-11. Review status: criteria provided, single submitter. Criteria: Ambry Variant Classification Scheme 2023. Collection method: clinical testing. Allele origin: germline.
Comment: The c.508_509delCTinsAC variant (also known as p.L170T), located in coding exon 6 of the DDX41 gene, results from an in-frame deletion of CT and insertion of AC at nucleotide positions 508 to 509. This results in the substitution of the leucine residue for a threonine residue at codon 170, an amino acid with similar properties. This amino acid position is highly conserved in available vertebrate species. In addition, the in silico prediction for this variant is inconclusive (Choi Y et al. PLoS ONE. 2012; 7(10):e46688). Based on the available evidence, the clinical significance of this variant remains unclear.

NM_016222.4(DDX41):c.508_509delinsAC (p.Leu170Thr)

Gene: DDX41 (DEAD-box helicase 41; minus strand). Cytogenetic location: 5q35.3.
Variant type: Indel.
Coding change: c.508_509delinsAC on transcript NM_016222.4 (MANE Select); coding-DNA positions 508 to 509, CT replaced by AC.
Protein change: p.Leu170Thr; replaces leucine 170 with threonine.
Molecular consequence: missense variant.
Genome position (GRCh38, 1-based): chr5:177,515,747-177,515,748, AG replaced by GT on the plus strand (CT replaced by AC on the coding strand, the reverse complement: DDX41 is on the minus strand). VCF-style: chr5-177515747-AG-GT. GRCh37 (hg19) VCF-style: chr5-176942748-AG-GT.
Other names: c.130_131delinsAC, p.Leu44Thr (NM_001321732.2, NM_001321830.2); short protein forms L44T, L170T.
Identifiers: ClinVar variation 5035178 (VCV005035178.1).
Genomic context (GRCh38, chr5:177,515,747, plus strand): 5'-GCAGGAAACTTCATTTCCTTGAAGCTCTTGATGGGTGGTGGGATACCGTCTCCCTCCACC[AG>GT]GATGTGGTATTTCTTCCGCACGCGCTCATGTCGCTCTTCAGACATGCTCAGAACATAACG-3'
Protein context (NP_057306.2, residues 160-180): HERVRKKYHI[Leu170Thr]VEGDGIPPPI